The following is an entry in ClinVar:

ClinVar aggregate classification (germline): Uncertain significance (1 of 4 stars; one submission).

Allele frequency attached by ClinVar (database versions not stated): 1000 Genomes Project 30x 0.00031; 1000 Genomes Project 0.00040; ESP Exome Variant Server 0.00094; TOPMed 0.00097; gnomAD exomes 0.00102.
gnomAD v4.1: 1,598 of 1,589,834 alleles (0.1%); highest among the groups gnomAD compares: Admixed American, 0.14%; 1 homozygote.

Submission:

Clinical Genomics Laboratory, Washington University in St. Louis
Classification: Uncertain significance. Last evaluated: 2024-03-08. Review status: criteria provided, single submitter. Criteria: ACMG Guidelines, 2015. Collection method: clinical testing. Allele origin: germline.
Comment: The COL21A1 c.67G>T (p.Gly23Ter) in a non-canonical transcript, to our knowledge, has not been reported in the medical literature to be associated with disease. However, this variant has been associated with variable blood pressure traits, including systolic blood pressure and pulse pressure (Giri A et al., PMID: 30578418; Surendran P et al., PMID: 27618447; Surendran P et al., PMID: 33230300). The highest population minor allele frequency in the population database genome aggregation database (v.2.1.1) is 0.13% in the European non-Finnish population. This variant occurs in the Gly-X-Y domain and computational predictors indicate that the variant is damaging (Richards AJ and Snead MP, PMID: 35885981). Due to limited information, the clinical significance of this variant is uncertain.

NM_030820.4(COL21A1):c.1994G>T (p.Gly665Val)

Gene: COL21A1 (collagen type XXI alpha 1 chain; minus strand). Cytogenetic location: 6p12.1.
Variant type: single nucleotide variant.
Coding change: c.1994G>T on transcript NM_030820.4 (MANE Select); coding-DNA position 1994, G replaced by T.
Protein change: p.Gly665Val; replaces glycine 665 with valine.
Molecular consequence: missense variant. On other transcripts: nonsense (1), non-coding transcript variant (3).
Genome position (GRCh38, 1-based): chr6:56,070,770, C>A on the plus strand (G>T on the coding strand, the complement: COL21A1 is on the minus strand). VCF-style: chr6-56070770-C-A. GRCh37 (hg19) VCF-style: chr6-55935568-C-A.
Other names: c.1994G>T, p.Gly665Val (NM_001318751.2); c.1985G>T, p.Gly662Val (NM_001318752.2); c.188G>T, p.Gly63Val (NM_001318753.2); c.67G>T, p.Gly23Ter (NM_001318754.2); short protein forms G23*, G63V, G662V, G665V.
Identifiers: ClinVar variation 3236561 (VCV003236561.1), dbSNP rs200999181, ClinGen allele CA3865287.